The following is an entry in ClinVar:

ClinVar aggregate classification (germline): Uncertain significance (1 of 4 stars; one submission).

Submission:

Women's Health and Genetics/Laboratory Corporation of America, LabCorp
Classification: Uncertain significance. Last evaluated: 2026-05-01. Review status: criteria provided, single submitter. Criteria: LabCorp Variant Classification Summary - May 2015. Collection method: clinical testing. Allele origin: germline.
Comment: Variant summary: SON c.4939C>T (p.Pro1647Ser) results in a non-conservative amino acid change in the encoded protein sequence. Algorithms developed to predict the effect of missense changes on protein structure and function are either unavailable or do not agree on the potential impact of this missense change. The variant was absent in 251258 control chromosomes. The available data on variant occurrences in the general population are insufficient to allow any conclusion about variant significance. To our knowledge, no occurrence of c.4939C>T in individuals affected with SON-related conditions and no experimental evidence demonstrating its impact on protein function have been reported. ClinVar contains an entry for this variant (Variation ID: 4687618). Based on the evidence outlined above, the variant was classified as uncertain significance.

NM_138927.4(SON):c.4939C>T (p.Pro1647Ser)

Gene: SON (SON DNA and RNA binding protein; plus strand). Cytogenetic location: 21q22.11.
Variant type: single nucleotide variant.
Coding change: c.4939C>T on transcript NM_138927.4 (MANE Select); coding-DNA position 4939, C replaced by T.
Protein change: p.Pro1647Ser; replaces proline 1647 with serine.
Molecular consequence: missense variant. On other transcripts: non-coding transcript variant (1), intron variant (1).
Genome position (GRCh38, 1-based): chr21:33,554,170, C>T. VCF-style: chr21-33554170-C-T. GRCh37 (hg19) VCF-style: chr21-34926476-C-T.
Other names: c.4939C>T, p.Pro1647Ser (NM_001291411.2, NM_032195.3); c.245-2986C>T (NM_001291412.3); short protein forms P1647S.
Identifiers: ClinVar variation 4687618 (VCV004687618.2).